The following is an entry in ClinVar:

NM_001267550.2(TTN):c.50919C>T (p.Ser16973=)

Genes: TTN (titin; minus strand), TTN-AS1 (TTN antisense RNA 1; plus strand). Cytogenetic location: 2q31.2.
Variant type: single nucleotide variant.
Coding change: c.50919C>T on transcript NM_001267550.2 (MANE Select); coding-DNA position 50919, C replaced by T.
Protein change: p.Ser16973=; no amino-acid change (serine 16973 retained).
Molecular consequence: synonymous variant.
Genome position (GRCh38, 1-based): chr2:178,611,210, G>A on the plus strand (C>T on the coding strand, the complement: TTN is on the minus strand). VCF-style: chr2-178611210-G-A. GRCh37 (hg19) VCF-style: chr2-179475937-G-A.
Other names: c.45996C>T, p.Ser15332= (NM_001256850.1); c.23724C>T, p.Ser7908= (NM_003319.4); c.43215C>T, p.Ser14405= (NM_133378.4); c.24099C>T, p.Ser8033= (NM_133432.3); c.24300C>T, p.Ser8100= (NM_133437.4).
Identifiers: ClinVar variation 2414665 (VCV002414665.10), dbSNP rs750729841, ClinGen allele CA60984662.

ClinVar aggregate classification (germline): Conflicting classifications of pathogenicity. Review status: criteria provided, conflicting classifications (1 of 4 stars). 2 submissions from 2 submitters: Uncertain significance (1); Likely benign (1). Last evaluated 2025-12-19.

Conditions:
Cardiovascular phenotype. Identifiers: MedGen CN230736.
Autosomal recessive limb-girdle muscular dystrophy type 2J (LGMDR10). Also called: Limb-girdle muscular dystrophy, type 2J; MUSCULAR DYSTROPHY, LIMB-GIRDLE, AUTOSOMAL RECESSIVE 10. Identifiers: Orphanet 140922, MedGen C1837342, MONDO:0012127, OMIM 608807.
Dilated cardiomyopathy 1G (CMD1G). Identifiers: Orphanet 154, MedGen C1858763, MONDO:0011400, OMIM 604145.

Allele frequency attached by ClinVar (database versions not stated): gnomAD 0.00001; gnomAD exomes 0.00003.
gnomAD v4.1: 25 of 1,612,496 alleles (0.0016%); highest among the groups gnomAD compares: Non-Finnish European, 0.002%; no homozygotes.

Submissions (2):

Ambry Genetics
Classification: Uncertain significance for Cardiovascular phenotype. Last evaluated: 2025-12-19. Review status: criteria provided, single submitter. Criteria: Ambry Variant Classification Scheme 2023. Collection method: clinical testing. Allele origin: germline.
Comment: The c.23724C>T variant (also known as p.S7908S), located in coding exon 97 of the TTN gene, results from a C to T substitution at nucleotide position 23724. This nucleotide substitution does not change the amino acid at codon 7908. This nucleotide position is not well conserved in available vertebrate species. In silico splice site analysis for this alteration is inconclusive. Based on the available evidence, the clinical significance of this variant remains unclear.

Labcorp Genetics (formerly Invitae), Labcorp
Classification: Likely benign for Dilated cardiomyopathy 1G; Autosomal recessive limb-girdle muscular dystrophy type 2J. Last evaluated: 2025-08-20. Review status: criteria provided, single submitter. Criteria: Invitae Variant Classification Sherloc (09022015). Collection method: clinical testing. Allele origin: germline.